The following is an entry in ClinVar:

ClinVar aggregate classification (germline): Uncertain significance (1 of 4 stars; one submission).

Conditions:
Global developmental delay with or without impaired intellectual development. Identifiers: MedGen C5193032, MONDO:0032680, OMIM 618330.

Allele frequency attached by ClinVar (database versions not stated): gnomAD exomes 0.00001.
gnomAD v4.1: 9 of 1,613,428 alleles (0.00056%); highest among the groups gnomAD compares: South Asian, 0.0033%; no homozygotes.

Submission:

Baylor Genetics
Classification: Uncertain significance for Global developmental delay with or without impaired intellectual development. Last evaluated: 2020-04-10. Review status: criteria provided, single submitter. Criteria: ACMG Guidelines, 2015. Collection method: clinical testing. Allele origin: unknown. Affected: yes.
Comment: This variant was determined to be of uncertain significance according to ACMG Guidelines, 2015 [PMID:25741868].

NM_181552.4(CUX1):c.2570G>A (p.Ser857Asn)

Gene: CUX1 (cut like homeobox 1; plus strand). Cytogenetic location: 7q22.1.
Variant type: single nucleotide variant.
Coding change: c.2570G>A on transcript NM_181552.4 (MANE Select); coding-DNA position 2570, G replaced by A.
Protein change: p.Ser857Asn; replaces serine 857 with asparagine.
Molecular consequence: missense variant. On other transcripts: intron variant (5).
Genome position (GRCh38, 1-based): chr7:102,201,867, G>A. VCF-style: chr7-102201867-G-A. GRCh37 (hg19) VCF-style: chr7-101845147-G-A.
Other names: c.2603G>A, p.Ser868Asn (NM_001202543.2); c.1255+6264G>A (NM_001913.5); c.1249+6264G>A (NM_181500.4); c.1117+6264G>A (NM_001202545.3); c.1207+6264G>A (NM_001202544.3); c.1138+6264G>A (NM_001202546.3); short protein forms S857N, S868N.
Identifiers: ClinVar variation 1027901 (VCV001027901.1), dbSNP rs1795483715, ClinGen allele CA368682756.
Genomic context (GRCh38, chr7:102,201,867, plus strand): 5'-CCTCCGAGGAGGCCAAGGCCGAAGAAACGGGCGGCGGGAAAGAGAAGGGCAGCGGTGGCA[G>A]CGGAGGTGGCAGCCAGCCTCGGGCCGAGCGCAGTCAGCTCCAGGGACCCTCGTCGTCAGA-3'
Protein context (NP_853530.2, residues 847-867): GGGKEKGSGG[Ser857Asn]GGGSQPRAER